The following is an entry in ClinVar:

ClinVar aggregate classification (germline): Uncertain significance. Review status: criteria provided, multiple submitters, no conflicts (2 of 4 stars). 2 submissions from 2 submitters: Uncertain significance (2). Last evaluated 2025-10-01.

gnomAD v4.1: 9 of 1,549,904 alleles (0.00058%); highest among the groups gnomAD compares: South Asian, 0.0012%; no homozygotes.

Submissions (2):

Women's Health and Genetics/Laboratory Corporation of America, LabCorp
Classification: Uncertain significance. Last evaluated: 2025-10-01. Review status: criteria provided, single submitter. Criteria: LabCorp Variant Classification Summary - May 2015. Collection method: clinical testing. Allele origin: germline.
Comment: Variant summary: ZNF469 c.7508C>T (p.Ala2503Val) results in a non-conservative amino acid change in the encoded protein sequence. Algorithms developed to predict the effect of missense changes on protein structure and function are either unavailable or do not agree on the potential impact of this missense change. The variant allele was found at a frequency of 6.7e-06 in 149416 control chromosomes. The available data on variant occurrences in the general population are insufficient to allow any conclusion about variant significance. To our knowledge, no occurrence of c.7508C>T in individuals affected with ZNF469-related conditions and no experimental evidence demonstrating its impact on protein function have been reported. ClinVar contains an entry for this variant (Variation ID: 2982543). Based on the evidence outlined above, the variant was classified as uncertain significance.

Labcorp Genetics (formerly Invitae), Labcorp
Classification: Uncertain significance. Last evaluated: 2023-09-27. Review status: criteria provided, single submitter. Criteria: Invitae Variant Classification Sherloc (09022015). Collection method: clinical testing. Allele origin: germline.
Comment: This sequence change replaces alanine, which is neutral and non-polar, with valine, which is neutral and non-polar, at codon 2475 of the ZNF469 protein (p.Ala2475Val). This variant is present in population databases (rs141218390, gnomAD 0.01%). This variant has not been reported in the literature in individuals affected with ZNF469-related conditions. An algorithm developed to predict the effect of missense changes on protein structure and function (PolyPhen-2) suggests that this variant is likely to be tolerated. In summary, the available evidence is currently insufficient to determine the role of this variant in disease. Therefore, it has been classified as a Variant of Uncertain Significance.

NM_001367624.2(ZNF469):c.7508C>T (p.Ala2503Val)

Gene: ZNF469 (zinc finger protein 469; plus strand). Cytogenetic location: 16q24.2.
Variant type: single nucleotide variant.
Coding change: c.7508C>T on transcript NM_001367624.2 (MANE Select); coding-DNA position 7508, C replaced by T.
Protein change: p.Ala2503Val; replaces alanine 2503 with valine.
Molecular consequence: missense variant.
Genome position (GRCh38, 1-based): chr16:88,434,978, C>T. VCF-style: chr16-88434978-C-T. GRCh37 (hg19) VCF-style: chr16-88501386-C-T.
Other names: short protein forms A2503V.
Identifiers: ClinVar variation 2982543 (VCV002982543.4), dbSNP rs141218390, ClinGen allele CA8225254.